The following is an entry in ClinVar:

NM_000322.5(PRPH2):c.1A>T (p.Met1Leu)

Gene: PRPH2 (peripherin 2; minus strand). Cytogenetic location: 6p21.1.
Variant type: single nucleotide variant.
Coding change: c.1A>T on transcript NM_000322.5 (MANE Select); coding-DNA position 1, A replaced by T.
Protein change: p.Met1Leu; changes the start codon (methionine 1).
Molecular consequence: missense variant, initiator codon variant.
Genome position (GRCh38, 1-based): chr6:42,722,334, T>A on the plus strand (A>T on the coding strand, the complement: PRPH2 is on the minus strand). VCF-style: chr6-42722334-T-A. GRCh37 (hg19) VCF-style: chr6-42690072-T-A.
Other names: short protein forms M1L.
Identifiers: ClinVar variation 1175236 (VCV001175236.8), dbSNP rs1761921867, ClinGen allele CA364138986.

ClinVar aggregate classification (germline): Pathogenic. Review status: criteria provided, multiple submitters, no conflicts (2 of 4 stars). 3 submissions from 3 submitters: Pathogenic (2). 1 of the submissions does not count toward it. Last evaluated 2022-07-21.

Conditions:
PRPH2-related disorder. Also called: PRPH2-related condition; PRPH2-related disorders. Identifiers: MedGen CN239395.

Submissions (3):

Labcorp Genetics (formerly Invitae), Labcorp
Classification: Pathogenic for PRPH2-related disorder. Last evaluated: 2022-07-21. Review status: criteria provided, single submitter. Criteria: Invitae Variant Classification Sherloc (09022015). Collection method: clinical testing. Allele origin: germline.
Comment: For these reasons, this variant has been classified as Pathogenic. ClinVar contains an entry for this variant (Variation ID: 1175236). Disruption of the initiator codon has been observed in individuals with autosomal dominant PRPH2-related conditions (PMID: 9338584, 25472526, 29555955; Invitae). This variant is not present in population databases (gnomAD no frequency). This sequence change affects the initiator methionine of the PRPH2 mRNA. The next in-frame methionine is located at codon 23.

Blueprint Genetics
Classification: Pathogenic for PRPH2-related disorders. Last evaluated: 2020-10-21. Review status: criteria provided, single submitter. Criteria: ACMG Guidelines, 2015. Collection method: clinical testing. Allele origin: germline. Affected: yes. Observed: 4 variant alleles.

Leiden Open Variation Database
Classification: Pathogenic. Last evaluated: 2021-04-06. Review status: no assertion criteria provided. Collection method: curation. Allele origin: germline. Affected: yes. Not counted in ClinVar's aggregate classification.
Comment: Curator: Global Variome, with Curator vacancy. Submitter to LOVD: Manon Peeters.

Literature cited by the submitters: PubMed 9338584 (cited by Labcorp Genetics (formerly Invitae), Labcorp); PubMed 25472526 (cited by Labcorp Genetics (formerly Invitae), Labcorp and Leiden Open Variation Database); PubMed 29555955 (cited by Labcorp Genetics (formerly Invitae), Labcorp).